The following is an entry in ClinVar:

NM_020778.5(ALPK3):c.5027C>G (p.Ala1676Gly)

Gene: ALPK3 (alpha kinase 3; plus strand). Cytogenetic location: 15q25.3.
Variant type: single nucleotide variant.
Coding change: c.5027C>G on transcript NM_020778.5 (MANE Select); coding-DNA position 5027, C replaced by G.
Protein change: p.Ala1676Gly; replaces alanine 1676 with glycine.
Molecular consequence: missense variant.
Genome position (GRCh38, 1-based): chr15:84,868,365, C>G. VCF-style: chr15-84868365-C-G. GRCh37 (hg19) VCF-style: chr15-85411596-C-G.
Other names: short protein forms A1676G.
Identifiers: ClinVar variation 1524732 (VCV001524732.11), dbSNP rs150250443, ClinGen allele CA7710142.

ClinVar aggregate classification (germline): Conflicting classifications of pathogenicity. Review status: criteria provided, conflicting classifications (1 of 4 stars). 5 submissions from 5 submitters: Uncertain significance (4); Likely benign (1). Last evaluated 2026-06-08.

Conditions:
ALPK3-related disorder. Also called: ALPK3-related condition.
Cardiovascular phenotype. Identifiers: MedGen CN230736.

Allele frequency attached by ClinVar (database versions not stated): 1000 Genomes Project 0.00020; 1000 Genomes Project 30x 0.00031; ESP Exome Variant Server 0.00031; gnomAD exomes 0.00005; ExAC 0.00007.
gnomAD v4.1: 90 of 1,614,068 alleles (0.0056%); highest among the groups gnomAD compares: African/African-American, 0.1%; no homozygotes.

Submissions (5):

GeneDx
Classification: Uncertain significance. Last evaluated: 2026-06-08. Review status: criteria provided, single submitter. Criteria: GeneDx Variant Classification Process June 2021. Collection method: clinical testing. Allele origin: germline.
Comment: Identified in a patient with HCM in published literature (PMID: 30847666); In silico analysis suggests that this missense variant does not alter protein structure/function; Also known as p.(A1878G); This variant is associated with the following publications: (PMID: 30847666)

PreventionGenetics, part of Exact Sciences
Classification: Uncertain significance for ALPK3-related condition. Last evaluated: 2026-04-13. Review status: criteria provided, single submitter. Criteria: ACMG Guidelines, 2015. Collection method: clinical testing. Allele origin: germline.
Comment: The ALPK3 c.5633C>G variant is predicted to result in the amino acid substitution p.Ala1878Gly. This variant has been reported in an individual with hypertrophic cardiomyopathy (Supplementary data 2, van Lint et al. 2019. PubMed ID: 30847666). This variant is reported in 0.068% of alleles in individuals of African descent in gnomAD. Although we suspect that this variant may be benign, at this time, the clinical significance of this variant is uncertain due to the absence of conclusive functional and genetic evidence.

Labcorp Genetics (formerly Invitae), Labcorp
Classification: Uncertain significance. Last evaluated: 2026-01-27. Review status: criteria provided, single submitter. Criteria: Invitae Variant Classification Sherloc (09022015). Collection method: clinical testing. Allele origin: germline.
Comment: This sequence change replaces alanine, which is neutral and non-polar, with glycine, which is neutral and non-polar, at codon 1878 of the ALPK3 protein (p.Ala1878Gly). This variant is present in population databases (rs150250443, gnomAD 0.07%). This missense change has been observed in individual(s) with hypertrophic cardiomyopathy (PMID: 30847666). ClinVar contains an entry for this variant (Variation ID: 1524732). Invitae Evidence Modeling of protein sequence and biophysical properties (such as structural, functional, and spatial information, amino acid conservation, physicochemical variation, residue mobility, and thermodynamic stability) indicates that this missense variant is not expected to disrupt ALPK3 protein function with a negative predictive value of 80%. In summary, the available evidence is currently insufficient to determine the role of this variant in disease. Therefore, it has been classified as a Variant of Uncertain Significance.

Women's Health and Genetics/Laboratory Corporation of America, LabCorp
Classification: Uncertain significance. Last evaluated: 2025-06-23. Review status: criteria provided, single submitter. Criteria: LabCorp Variant Classification Summary - May 2015. Collection method: clinical testing. Allele origin: germline.
Comment: Variant summary: ALPK3 c.5027C>G (p.Ala1676Gly) results in a non-conservative amino acid change in the encoded protein sequence. Algorithms developed to predict the effect of missense changes on protein structure and function are either unavailable or do not agree on the potential impact of this missense change. The variant allele was found at a frequency of 5.2e-05 in 251048 control chromosomes. This frequency is not significantly higher than estimated for a pathogenic variant in ALPK3 causing Cardiomyopathy (5.2e-05 vs 0.0071), allowing no conclusion about variant significance. c.5027C>G has been observed in individual(s) affected with Cardiomyopathy (van Lint_2019). These report(s) do not provide unequivocal conclusions about association of the variant with Cardiomyopathy. To our knowledge, no experimental evidence demonstrating an impact on protein function has been reported. The following publication have been ascertained in the context of this evaluation (PMID: 30847666). ClinVar contains an entry for this variant (Variation ID: 1524732). Based on the evidence outlined above, the variant was classified as uncertain significance.

Ambry Genetics
Classification: Likely benign for Cardiovascular phenotype. Last evaluated: 2023-12-22. Review status: criteria provided, single submitter. Criteria: Ambry Variant Classification Scheme 2023. Collection method: clinical testing. Allele origin: germline.

Literature cited by the submitters: PubMed 30847666 (cited by 3 submitters).